The following is an entry in ClinVar:

NM_020366.4(RPGRIP1):c.2367+16T>C

Gene: RPGRIP1 (RPGR interacting protein 1; plus strand). Cytogenetic location: 14q11.2.
Variant type: single nucleotide variant.
Coding change: c.2367+16T>C on transcript NM_020366.4 (MANE Select); 16 bases into the intron after coding-DNA position 2367, T replaced by C.
Molecular consequence: intron variant.
Genome position (GRCh38, 1-based): chr14:21,325,399, T>C. VCF-style: chr14-21325399-T-C. GRCh37 (hg19) VCF-style: chr14-21793558-T-C.
Other names: c.2367+16T>C (NM_020366.3); c.1293+16T>C (NM_001377948.1); c.796+674T>C (NM_001377949.1); c.689-2224T>C (NM_001377523.1, NM_001377950.1); c.191-2224T>C (NM_001377951.1).
Identifiers: ClinVar variation 2048596 (VCV002048596.6), dbSNP rs370533979, ClinGen allele CA7089227.

ClinVar aggregate classification (germline): Likely benign. Review status: criteria provided, multiple submitters, no conflicts (2 of 4 stars). 3 submissions from 3 submitters: Likely benign (3). Last evaluated 2026-04-16.

Conditions:
Cone-rod dystrophy 13 (CORD13). Identifiers: Orphanet 1872, MedGen C2750720, MONDO:0011987, OMIM 608194.
Leber congenital amaurosis 6 (LCA6). Identifiers: Orphanet 65, MedGen C1854260, MONDO:0013446, OMIM 613826.
RPGRIP1-related disorder. Also called: RPGRIP1-related condition.

Allele frequency attached by ClinVar (database versions not stated): gnomAD 0.00002; ExAC 0.00004; ESP Exome Variant Server 0.00008.
gnomAD v4.1: 39 of 1,556,302 alleles (0.0025%); highest among the groups gnomAD compares: Non-Finnish European, 0.0034%; 1 homozygote.

Submissions (3):

PreventionGenetics, part of Exact Sciences
Classification: Likely benign for RPGRIP1-related condition. Last evaluated: 2026-04-16. Review status: criteria provided, single submitter. Criteria: ACMG Guidelines, 2015. Collection method: clinical testing. Allele origin: germline.
Comment: This variant is classified as likely benign based on ACMG/AMP sequence variant interpretation guidelines (Richards et al. 2015 PMID: 25741868, with internal and published modifications).

Labcorp Genetics (formerly Invitae), Labcorp
Classification: Likely benign for Leber congenital amaurosis 6; Cone-rod dystrophy 13. Last evaluated: 2025-12-14. Review status: criteria provided, single submitter. Criteria: Invitae Variant Classification Sherloc (09022015). Collection method: clinical testing. Allele origin: germline.

Blueprint Genetics
Classification: Likely benign. Last evaluated: 2023-09-11. Review status: criteria provided, single submitter. Criteria: ACMG Guidelines, 2015. Collection method: clinical testing. Allele origin: germline.